The following is an entry in ClinVar:

ClinVar aggregate classification (germline): Uncertain significance. Review status: criteria provided, multiple submitters, no conflicts (2 of 4 stars). 2 submissions from 2 submitters: Uncertain significance (2). Last evaluated 2023-02-26.

Conditions:
Dyskeratosis congenita, autosomal dominant 6 (DKCA6). Identifiers: Orphanet 3322, MedGen C4225284, MONDO:0014690, OMIM 616553.
Inborn genetic diseases. Identifiers: MedGen C0950123, MeSH D030342.

Allele frequency attached by ClinVar (database versions not stated): gnomAD exomes below 0.00001.
gnomAD v4.1: 5 of 1,612,368 alleles (0.00031%); highest among the groups gnomAD compares: Non-Finnish European, 0.00034%; no homozygotes.

Submissions (2):

Labcorp Genetics (formerly Invitae), Labcorp
Classification: Uncertain significance for Dyskeratosis congenita, autosomal dominant 6. Last evaluated: 2023-02-26. Review status: criteria provided, single submitter. Criteria: Invitae Variant Classification Sherloc (09022015). Collection method: clinical testing. Allele origin: germline.
Comment: In summary, the available evidence is currently insufficient to determine the role of this variant in disease. Therefore, it has been classified as a Variant of Uncertain Significance. Advanced modeling of protein sequence and biophysical properties (such as structural, functional, and spatial information, amino acid conservation, physicochemical variation, residue mobility, and thermodynamic stability) performed at Invitae indicates that this missense variant is not expected to disrupt ACD protein function. ClinVar contains an entry for this variant (Variation ID: 1768426). This variant has not been reported in the literature in individuals affected with ACD-related conditions. The frequency data for this variant in the population databases is considered unreliable, as metrics indicate poor data quality at this position in the gnomAD database. This sequence change replaces cysteine, which is neutral and slightly polar, with arginine, which is basic and polar, at codon 329 of the ACD protein (p.Cys329Arg).

Ambry Genetics
Classification: Uncertain significance for Inborn genetic diseases. Last evaluated: 2022-04-25. Review status: criteria provided, single submitter. Criteria: Ambry Variant Classification Scheme 2023. Collection method: clinical testing. Allele origin: germline.
Comment: The p.C329R variant (also known as c.985T>C), located in coding exon 8 of the ACD gene, results from a T to C substitution at nucleotide position 985. The cysteine at codon 329 is replaced by arginine, an amino acid with highly dissimilar properties. This amino acid position is conserved. In addition, this alteration is predicted to be tolerated by in silico analysis. Since supporting evidence is limited at this time, the clinical significance of this alteration remains unclear.

NM_001082486.2(ACD):c.727T>C (p.Cys243Arg)

Gene: ACD (ACD shelterin complex subunit and telomerase recruitment factor; minus strand). Cytogenetic location: 16q22.1.
Variant type: single nucleotide variant.
Coding change: c.727T>C on transcript NM_001082486.2 (MANE Select); coding-DNA position 727, T replaced by C.
Protein change: p.Cys243Arg; replaces cysteine 243 with arginine.
Molecular consequence: missense variant.
Genome position (GRCh38, 1-based): chr16:67,658,735, A>G on the plus strand (T>C on the coding strand, the complement: ACD is on the minus strand). VCF-style: chr16-67658735-A-G. GRCh37 (hg19) VCF-style: chr16-67692638-A-G.
Other names: c.727T>C, p.Cys243Arg (NM_001410884.1); c.718T>C, p.Cys240Arg (NM_022914.3); short protein forms C240R, C243R.
Identifiers: ClinVar variation 1768426 (VCV001768426.7), dbSNP rs1400041152, ClinGen allele CA396353466.